The following is an entry in ClinVar:

NM_015557.3(CHD5):c.507-7C>A

Gene: CHD5 (chromodomain helicase DNA binding protein 5; minus strand). Cytogenetic location: 1p36.31.
Variant type: single nucleotide variant.
Coding change: c.507-7C>A on transcript NM_015557.3 (MANE Select); 7 bases into the intron before coding-DNA position 507, C replaced by A.
Molecular consequence: intron variant.
Genome position (GRCh38, 1-based): chr1:6,154,905, G>T on the plus strand (C>A on the coding strand, the complement: CHD5 is on the minus strand). VCF-style: chr1-6154905-G-T. GRCh37 (hg19) VCF-style: chr1-6214965-G-T.
Identifiers: ClinVar variation 4822706 (VCV004822706.4).
Genomic context (GRCh38, chr1:6,154,905, plus strand): 5'-ACGGTCATCATTTTGGACATGGGGATCTTCGGGTTCTTCTTGGCAATGAGTGGCCTGTAG[G>T]GGGAGAGGCAGGAGGGTGAGGGCAAGGCCAGGTGAGATGAGAGGCCCACCCGACCCCCGG-3'

ClinVar aggregate classification (germline): Likely benign (1 of 4 stars; one submission).

gnomAD v4.1: 463 of 1,612,122 alleles (0.029%); highest among the groups gnomAD compares: Admixed American, 0.75%; 2 homozygotes.

Submission:

CeGaT Center for Human Genetics Tuebingen
Classification: Likely benign. Last evaluated: 2026-07-01. Review status: criteria provided, single submitter. Criteria: CeGaT Center For Human Genetics Tuebingen Variant Classification Criteria Version 2. Collection method: clinical testing. Allele origin: germline. Affected: yes. Observed: 3 variant alleles.
Comment: CHD5: BP4, BS1